The following is an entry in ClinVar:

NM_019108.4(SMG9):c.33C>T (p.Leu11=)

Gene: SMG9 (SMG9 nonsense mediated mRNA decay factor; minus strand). Cytogenetic location: 19q13.31.
Variant type: single nucleotide variant.
Coding change: c.33C>T on transcript NM_019108.4 (MANE Select); coding-DNA position 33, C replaced by T.
Protein change: p.Leu11=; no amino-acid change (leucine 11 retained).
Molecular consequence: synonymous variant.
Genome position (GRCh38, 1-based): chr19:43,750,709, G>A on the plus strand (C>T on the coding strand, the complement: SMG9 is on the minus strand). VCF-style: chr19-43750709-G-A. GRCh37 (hg19) VCF-style: chr19-44254861-G-A.
Identifiers: ClinVar variation 3355392 (VCV003355392.1).

ClinVar aggregate classification (germline): Likely benign (0 of 4 stars; one submission).

Conditions:
SMG9-related disorder. Also called: SMG9-related condition.

gnomAD v4.1: 58 of 1,613,748 alleles (0.0036%); highest among the groups gnomAD compares: Admixed American, 0.0017%; no homozygotes.

Submission:

PreventionGenetics, part of Exact Sciences
Classification: Likely benign for SMG9-related condition. Last evaluated: 2024-05-09. Review status: no assertion criteria provided. Collection method: clinical testing. Allele origin: germline.
Comment: This variant is classified as likely benign based on ACMG/AMP sequence variant interpretation guidelines (Richards et al. 2015 PMID: 25741868, with internal and published modifications).